The following is an entry in ClinVar:

NM_001009999.3(KDM1A):c.2036G>A (p.Gly679Glu)

Gene: KDM1A (lysine demethylase 1A; plus strand). Cytogenetic location: 1p36.12.
Variant type: single nucleotide variant.
Coding change: c.2036G>A on transcript NM_001009999.3 (MANE Select); coding-DNA position 2036, G replaced by A.
Protein change: p.Gly679Glu; replaces glycine 679 with glutamic acid.
Molecular consequence: missense variant.
Genome position (GRCh38, 1-based): chr1:23,079,158, G>A. VCF-style: chr1-23079158-G-A. GRCh37 (hg19) VCF-style: chr1-23405651-G-A.
Other names: c.1982G>A, p.Gly661Glu (NM_001363654.2); c.2042G>A, p.Gly681Glu (NM_001410762.1); c.1964G>A, p.Gly655Glu (NM_001410763.1, NM_015013.4); short protein forms G681E, G679E, G661E, G655E.
Identifiers: ClinVar variation 5006266 (VCV005006266.2).

ClinVar aggregate classification (germline): Uncertain significance (1 of 4 stars; one submission).

Conditions:
ACTH-independent macronodular adrenal hyperplasia 3. Also called: CUSHING SYNDROME, FOOD-DEPENDENT. Identifiers: MedGen C5975485, MONDO:0700299, OMIM 620990.
Palatal anomalies-widely spaced teeth-facial dysmorphism-developmental delay syndrome. Also called: Cleft palate, psychomotor retardation, and distinctive facial features. Identifiers: Orphanet 477993, MedGen C4225229, MONDO:0014751, OMIM 616728.

Submission:

Juno Genomics, Hangzhou Juno Genomics, Inc
Classification: Uncertain significance for ACTH-independent macronodular adrenal hyperplasia 3; Palatal anomalies-widely spaced teeth-facial dysmorphism-developmental delay syndrome. Review status: criteria provided, single submitter. Criteria: ACMG Guidelines, 2015. Collection method: clinical testing. Allele origin: germline.
Comment: Absent from controls (or at extremely low frequency if recessive) in Genome Aggregation Database.;Missense variant in a gene that has a low rate of benign missense variation.;Multiple lines of computational evidence support a deleterious effect on the gene or gene product.